The following is an entry in ClinVar:

ClinVar aggregate classification (germline): Pathogenic (1 of 4 stars; one submission).

Conditions:
Familial focal epilepsy with variable foci (FPEVF). Identifiers: Orphanet 98820, MedGen C1858477, MONDO:0020310.

Submission:

Labcorp Genetics (formerly Invitae), Labcorp
Classification: Pathogenic for Familial focal epilepsy with variable foci. Last evaluated: 2022-02-19. Review status: criteria provided, single submitter. Criteria: Invitae Variant Classification Sherloc (09022015). Collection method: clinical testing. Allele origin: germline.
Comment: For these reasons, this variant has been classified as Pathogenic. This variant has not been reported in the literature in individuals affected with DEPDC5-related conditions. This variant is not present in population databases (gnomAD no frequency). This sequence change creates a premature translational stop signal (p.Glu233*) in the DEPDC5 gene. It is expected to result in an absent or disrupted protein product. Loss-of-function variants in DEPDC5 are known to be pathogenic (PMID: 23542697, 23542701).

Literature cited by the submitters: PubMed 23542697; PubMed 23542701.

NM_001242896.3(DEPDC5):c.697G>T (p.Glu233Ter)

Gene: DEPDC5 (DEP domain containing 5, GATOR1 subcomplex subunit; plus strand). Cytogenetic location: 22q12.2.
Variant type: single nucleotide variant.
Coding change: c.697G>T on transcript NM_001242896.3 (MANE Select); coding-DNA position 697, G replaced by T.
Protein change: p.Glu233Ter; replaces glutamic acid 233 with a stop codon.
Molecular consequence: nonsense. On other transcripts: non-coding transcript variant (5).
Genome position (GRCh38, 1-based): chr22:31,792,747, G>T. VCF-style: chr22-31792747-G-T. GRCh37 (hg19) VCF-style: chr22-32188733-G-T.
Other names: c.697G>T, p.Glu233Ter (NM_001007188.4, NM_001136029.4, NM_001242897.2 and 7 more transcripts); c.613G>T, p.Glu205Ter (NM_001369901.1, NM_001369902.1); short protein forms E205*, E233*.
Identifiers: ClinVar variation 2060805 (VCV002060805.4), dbSNP rs2518620859, ClinGen allele CA411288776.